The following is an entry in ClinVar:

ClinVar aggregate classification (germline): Conflicting classifications of pathogenicity. Review status: criteria provided, conflicting classifications (1 of 4 stars). 7 submissions from 7 submitters: Uncertain significance (6); Likely benign (1). Last evaluated 2026-09-21.

Conditions:
TTN-related disorder. Also called: TTN-related condition; TTN-related disease; TTN-related disorders.
Cardiovascular phenotype. Identifiers: MedGen CN230736.
Early-onset myopathy with fatal cardiomyopathy (CMYO5). Also called: Salih Myopathy; CONGENITAL MYOPATHY 5 WITH CARDIOMYOPATHY. Identifiers: Orphanet 289377, MedGen C2673677, MONDO:0012714, OMIM 611705. Disease mechanism: loss of function.
Autosomal recessive limb-girdle muscular dystrophy type 2J (LGMDR10). Also called: Limb-girdle muscular dystrophy, type 2J; MUSCULAR DYSTROPHY, LIMB-GIRDLE, AUTOSOMAL RECESSIVE 10. Identifiers: Orphanet 140922, MedGen C1837342, MONDO:0012127, OMIM 608807.
Myopathy, myofibrillar, 9, with early respiratory failure (MFM9). Also called: EDSTROM MYOPATHY; MYOPATHY, PROXIMAL, WITH EARLY RESPIRATORY MUSCLE INVOLVEMENT; Myopathy, distal, with early respiratory failure, autosomal dominant; Hereditary myopathy with early respiratory failure. Identifiers: Orphanet 178464, Orphanet 34521, MedGen C1863599, MONDO:0011362, OMIM 603689.
Dilated cardiomyopathy 1G (CMD1G). Identifiers: Orphanet 154, MedGen C1858763, MONDO:0011400, OMIM 604145.
Tibial muscular dystrophy (TMD). Also called: Tibial muscular dystrophy, tardive; UDD MYOPATHY; Udd Distal Myopathy – Tibial Muscular Dystrophy. Identifiers: Orphanet 609, MedGen C1838244, MONDO:0010870, OMIM 600334.
Hypertrophic cardiomyopathy 9. Also called: Familial hypertrophic cardiomyopathy 9. Identifiers: MedGen C1861065, MONDO:0013412, OMIM 613765.

Allele frequency attached by ClinVar (database versions not stated): gnomAD 0.00001 and 0.00002; gnomAD exomes 0.00001; ExAC 0.00003; TOPMed 0.00003; ESP Exome Variant Server 0.00016.

Submissions (7):

Molecular Diagnostic Laboratory for Inherited Cardiovascular Disease, Montreal Heart Institute
Classification: Likely benign. Last evaluated: 2026-09-21. Review status: criteria provided, single submitter. Criteria: ACMG Guidelines, 2015. Collection method: clinical testing. Allele origin: germline. Affected: no.
Comment: BP1

PreventionGenetics, part of Exact Sciences
Classification: Uncertain significance for TTN-related condition. Last evaluated: 2026-08-24. Review status: criteria provided, single submitter. Criteria: ACMG Guidelines, 2015. Collection method: clinical testing. Allele origin: germline.
Comment: The TTN c.54741G>A variant is predicted to result in the amino acid substitution p.Met18247Ile. This variant has been reported in an individual with dilated cardiomyopathy (Table S3, Mazzarotto. 2020. PubMed ID: 31983221). This variant is reported in 0.0065% of alleles in individuals of African descent in gnomAD. At this time, the clinical significance of this variant is uncertain due to the absence of conclusive functional and genetic evidence.

CeGaT Center for Human Genetics Tuebingen
Classification: Uncertain significance. Last evaluated: 2025-01-01. Review status: criteria provided, single submitter. Criteria: CeGaT Center For Human Genetics Tuebingen Variant Classification Criteria Version 2. Collection method: clinical testing. Allele origin: germline. Affected: yes. Observed: 1 variant allele.
Comment: TTN: PM2, BP4

GeneDx
Classification: Uncertain significance. Last evaluated: 2023-11-03. Review status: criteria provided, single submitter. Criteria: GeneDx Variant Classification Process June 2021. Collection method: clinical testing. Allele origin: germline. Affected: yes.
Comment: Not observed at significant frequency in large population cohorts (gnomAD); Missense variant in a gene in which most reported pathogenic variants are truncating/loss of function; This variant is associated with the following publications: (PMID: 31983221)

Fulgent Genetics
Classification: Uncertain significance for Tibial muscular dystrophy; Myopathy, myofibrillar, 9, with early respiratory failure; Dilated cardiomyopathy 1G; Autosomal recessive limb-girdle muscular dystrophy type 2J; Early-onset myopathy with fatal cardiomyopathy; Hypertrophic cardiomyopathy 9. Last evaluated: 2021-08-20. Review status: criteria provided, single submitter. Criteria: ACMG Guidelines, 2015. Collection method: clinical testing. Allele origin: unknown.

Ambry Genetics
Classification: Uncertain significance for Cardiovascular phenotype. Last evaluated: 2020-08-12. Review status: criteria provided, single submitter. Criteria: Ambry Variant Classification Scheme 2023. Collection method: clinical testing. Allele origin: germline.
Comment: The p.M9182I variant (also known as c.27546G>A), located in coding exon 109 of the TTN gene, results from a G to A substitution at nucleotide position 27546. The methionine at codon 9182 is replaced by isoleucine, an amino acid with highly similar properties. This amino acid position is well conserved in available vertebrate species. In addition, this alteration is predicted to be tolerated by in silico analysis. Since supporting evidence is limited at this time, the clinical significance of this alteration remains unclear.

Eurofins Ntd Llc (ga)
Classification: Uncertain significance. Last evaluated: 2015-04-09. Review status: criteria provided, single submitter. Criteria: EGL Classification Definitions 2015. Collection method: clinical testing. Allele origin: germline. Observed: 2 variant alleles, 2 heterozygotes.

NM_001267550.2(TTN):c.54741G>A (p.Met18247Ile)

Genes: TTN (titin; minus strand), TTN-AS1 (TTN antisense RNA 1; plus strand). Cytogenetic location: 2q31.2.
Variant type: single nucleotide variant.
Coding change: c.54741G>A on transcript NM_001267550.2 (MANE Select); coding-DNA position 54741, G replaced by A.
Protein change: p.Met18247Ile; replaces methionine 18247 with isoleucine.
Molecular consequence: missense variant.
Genome position (GRCh38, 1-based): chr2:178,603,946, C>T on the plus strand (G>A on the coding strand, the complement: TTN is on the minus strand). VCF-style: chr2-178603946-C-T. GRCh37 (hg19) VCF-style: chr2-179468673-C-T.
Other names: c.49818G>A, p.Met16606Ile (NM_001256850.1); c.27546G>A, p.Met9182Ile (NM_003319.4); c.47037G>A, p.Met15679Ile (NM_133378.4); c.27921G>A, p.Met9307Ile (NM_133432.3); c.28122G>A, p.Met9374Ile (NM_133437.4); c.54741G>A (NM_001267550.1); short protein forms M18247I, M15679I, M9307I, M9374I, M16606I, M9182I.
Identifiers: ClinVar variation 195792 (VCV000195792.24), dbSNP rs368858337, ClinGen allele CA242384.